The following is an entry in ClinVar:

NM_024675.4(PALB2):c.809_823del (p.Ser270_Thr274del)

Gene: PALB2 (partner and localizer of BRCA2; minus strand). Cytogenetic location: 16p12.2.
Variant type: Deletion.
Coding change: c.809_823del on transcript NM_024675.4 (MANE Select); coding-DNA positions 809 to 823, 15 bases deleted (GCAGTGAACTTACTA).
Protein change: p.Ser270_Thr274del.
Molecular consequence: inframe deletion.
Genome position (GRCh38, 1-based): chr16:23,635,723-23,635,737, TAGTAAGTTCACTGC deleted on the plus strand (GCAGTGAACTTACTA on the coding strand, the reverse complement: PALB2 is on the minus strand); deleting any 15 consecutive bases within chr16:23,635,723-23,635,739 gives the same sequence; the c. name uses the placement nearest the transcript's 3' end. VCF-style (leftmost placement, unchanged base first): chr16-23635722-GTAGTAAGTTCACTGC-G. GRCh37 (hg19) VCF-style: chr16-23647043-GTAGTAAGTTCACTGC-G.
Identifiers: ClinVar variation 1485679 (VCV001485679.7), dbSNP rs2142433594, ClinGen allele CA2573152205.

ClinVar aggregate classification (germline): Uncertain significance (1 of 4 stars; one submission).

Conditions:
Familial cancer of breast. Also called: Hereditary breast cancer; BREAST CANCER, FAMILIAL; hereditary breast carcinoma. Identifiers: Orphanet 227535, MedGen C0346153, MONDO:0016419, OMIM 114480. Disease mechanism: loss of function.

Submission:

Labcorp Genetics (formerly Invitae), Labcorp
Classification: Uncertain significance for Familial cancer of breast. Last evaluated: 2021-11-01. Review status: criteria provided, single submitter. Criteria: Invitae Variant Classification Sherloc (09022015). Collection method: clinical testing. Allele origin: germline.
Comment: In summary, the available evidence is currently insufficient to determine the role of this variant in disease. Therefore, it has been classified as a Variant of Uncertain Significance. Experimental studies and prediction algorithms are not available or were not evaluated, and the functional significance of this variant is currently unknown. This variant has not been reported in the literature in individuals affected with PALB2-related conditions. This variant is not present in population databases (gnomAD no frequency). This variant, c.809_823del, results in the deletion of 5 amino acid(s) of the PALB2 protein (p.Ser270_Thr274del), but otherwise preserves the integrity of the reading frame.